The following is an entry in ClinVar:

ClinVar aggregate classification (germline): Uncertain significance. Review status: criteria provided, multiple submitters, no conflicts (2 of 4 stars). 2 submissions from 2 submitters: Uncertain significance (2). Last evaluated 2024-12-19.

Submissions (2):

Labcorp Genetics (formerly Invitae), Labcorp
Classification: Uncertain significance. Last evaluated: 2024-12-19. Review status: criteria provided, single submitter. Criteria: Invitae Variant Classification Sherloc (09022015). Collection method: clinical testing. Allele origin: germline.
Comment: This sequence change replaces tyrosine, which is neutral and polar, with cysteine, which is neutral and slightly polar, at codon 285 of the LZTR1 protein (p.Tyr285Cys). This variant is not present in population databases (gnomAD no frequency). This variant has not been reported in the literature in individuals affected with LZTR1-related conditions. Invitae Evidence Modeling of protein sequence and biophysical properties (such as structural, functional, and spatial information, amino acid conservation, physicochemical variation, residue mobility, and thermodynamic stability) indicates that this missense variant is not expected to disrupt LZTR1 protein function with a negative predictive value of 80%. In summary, the available evidence is currently insufficient to determine the role of this variant in disease. Therefore, it has been classified as a Variant of Uncertain Significance.

Blueprint Genetics
Classification: Uncertain significance. Last evaluated: 2021-03-25. Review status: criteria provided, single submitter. Criteria: ACMG Guidelines, 2015. Collection method: clinical testing. Allele origin: germline.

NM_006767.4(LZTR1):c.854A>G (p.Tyr285Cys)

Gene: LZTR1 (leucine zipper like post translational regulator 1; plus strand). Cytogenetic location: 22q11.21.
Variant type: single nucleotide variant.
Coding change: c.854A>G on transcript NM_006767.4 (MANE Select); coding-DNA position 854, A replaced by G.
Protein change: p.Tyr285Cys; replaces tyrosine 285 with cysteine.
Molecular consequence: missense variant.
Genome position (GRCh38, 1-based): chr22:20,991,690, A>G. VCF-style: chr22-20991690-A-G. GRCh37 (hg19) VCF-style: chr22-21345979-A-G.
Other names: short protein forms Y285C.
Identifiers: ClinVar variation 3631589 (VCV003631589.3).